The following is an entry in ClinVar:

NM_001375524.1(TRRAP):c.11443A>G (p.Asn3815Asp)

Gene: TRRAP (transformation/transcription domain associated protein; plus strand). Cytogenetic location: 7q22.1.
Variant type: single nucleotide variant.
Coding change: c.11443A>G on transcript NM_001375524.1 (MANE Select); coding-DNA position 11443, A replaced by G.
Protein change: p.Asn3815Asp; replaces asparagine 3815 with aspartic acid.
Molecular consequence: missense variant.
Genome position (GRCh38, 1-based): chr7:99,012,176, A>G. VCF-style: chr7-99012176-A-G. GRCh37 (hg19) VCF-style: chr7-98609799-A-G.
Other names: c.11401A>G, p.Asn3801Asp (NM_001244580.2); c.11314A>G, p.Asn3772Asp (NM_003496.4); short protein forms N3772D, N3801D, N3815D.
Identifiers: ClinVar variation 2729525 (VCV002729525.3), dbSNP rs2485085630, ClinGen allele CA368344327.

ClinVar aggregate classification (germline): Uncertain significance (1 of 4 stars; one submission).

Submission:

Labcorp Genetics (formerly Invitae), Labcorp
Classification: Uncertain significance. Last evaluated: 2023-08-14. Review status: criteria provided, single submitter. Criteria: Invitae Variant Classification Sherloc (09022015). Collection method: clinical testing. Allele origin: germline.
Comment: In summary, the available evidence is currently insufficient to determine the role of this variant in disease. Therefore, it has been classified as a Variant of Uncertain Significance. An algorithm developed to predict the effect of missense changes on protein structure and function (PolyPhen-2) suggests that this variant is likely to be tolerated. This sequence change replaces asparagine, which is neutral and polar, with aspartic acid, which is acidic and polar, at codon 3772 of the TRRAP protein (p.Asn3772Asp). This variant is not present in population databases (gnomAD no frequency). This missense change has been observed in individual(s) with clinical features of TRRAP-related intellectual disability syndrome (Invitae). This missense change has been observed in at least one individual who was not affected with TRRAP-related conditions (Invitae).